The following is an entry in ClinVar:

ClinVar aggregate classification (germline): Pathogenic/Likely pathogenic. Review status: criteria provided, multiple submitters, no conflicts (2 of 4 stars). 3 submissions from 3 submitters: Pathogenic (1); Likely pathogenic (2). Last evaluated 2025-12-23.

Conditions:
BBS7-related disorder. Also called: BBS7-related condition.
Bardet-Biedl syndrome (BBS). Identifiers: Orphanet 110, MedGen C0752166, MONDO:0015229.
Bardet-Biedl syndrome 7 (BBS7). Identifiers: Orphanet 110, MedGen C1859565, MONDO:0014435, OMIM 615984.

Allele frequency attached by ClinVar (database versions not stated): ESP Exome Variant Server 0.00008; ExAC 0.00001.

Submissions (3):

PreventionGenetics, part of Exact Sciences
Classification: Likely pathogenic for BBS7-related condition. Last evaluated: 2025-12-23. Review status: criteria provided, single submitter. Criteria: ACMG Guidelines, 2015. Collection method: clinical testing. Allele origin: germline.
Comment: The BBS7 c.690G>A variant is predicted to result in premature protein termination (p.Trp230*). To our knowledge, this variant has not been reported in any individuals affected with BBS7-related disorders in the literature. This variant is reported in 0.00088% of alleles in individuals of European (Non-Finnish) descent in gnomAD. Nonsense variants in BBS7 are expected to be pathogenic. This variant is interpreted as likely pathogenic.

Labcorp Genetics (formerly Invitae), Labcorp
Classification: Pathogenic for Bardet-Biedl syndrome. Last evaluated: 2024-01-02. Review status: criteria provided, single submitter. Criteria: Invitae Variant Classification Sherloc (09022015). Collection method: clinical testing. Allele origin: germline.
Comment: This sequence change creates a premature translational stop signal (p.Trp230*) in the BBS7 gene. It is expected to result in an absent or disrupted protein product. Loss-of-function variants in BBS7 are known to be pathogenic (PMID: 12567324, 19402160, 21209035, 31196119). This variant is present in population databases (rs377194859, gnomAD 0.0009%). This variant has not been reported in the literature in individuals affected with BBS7-related conditions. For these reasons, this variant has been classified as Pathogenic.

Baylor Genetics
Classification: Likely pathogenic for Bardet-Biedl syndrome 7. Last evaluated: 2023-11-27. Review status: criteria provided, single submitter. Criteria: ACMG Guidelines, 2015. Collection method: clinical testing. Allele origin: unknown.

Literature cited by the submitters: PubMed 12567324 (cited by Labcorp Genetics (formerly Invitae), Labcorp); PubMed 19402160 (cited by Labcorp Genetics (formerly Invitae), Labcorp); PubMed 21209035 (cited by Labcorp Genetics (formerly Invitae), Labcorp); PubMed 31196119 (cited by Labcorp Genetics (formerly Invitae), Labcorp).

NM_176824.3(BBS7):c.690G>A (p.Trp230Ter)

Gene: BBS7 (Bardet-Biedl syndrome 7; minus strand). Cytogenetic location: 4q27.
Variant type: single nucleotide variant.
Coding change: c.690G>A on transcript NM_176824.3 (MANE Select); coding-DNA position 690, G replaced by A.
Protein change: p.Trp230Ter; replaces tryptophan 230 with a stop codon.
Molecular consequence: nonsense.
Genome position (GRCh38, 1-based): chr4:121,854,732, C>T on the plus strand (G>A on the coding strand, the complement: BBS7 is on the minus strand). VCF-style: chr4-121854732-C-T. GRCh37 (hg19) VCF-style: chr4-122775887-C-T.
Other names: c.690G>A, p.Trp230Ter (NM_018190.4); c.690G>A (NM_176824.2); short protein forms W230*.
Identifiers: ClinVar variation 2721327 (VCV002721327.5), dbSNP rs377194859, ClinGen allele CA3064433.